The following is an entry in ClinVar:

ClinVar aggregate classification (germline): Conflicting classifications of pathogenicity. Review status: criteria provided, conflicting classifications (1 of 4 stars). 3 submissions from 3 submitters: Uncertain significance (1); Likely benign (2). Last evaluated 2025-12-16.

Conditions:
ATR-X-related syndrome. Identifiers: MedGen CN257940, MONDO:0016980.
ATRX-related disorder. Also called: ATRX-related condition.
Alpha thalassemia-X-linked intellectual disability syndrome (ATRX). Also called: ALPHA-THALASSEMIA/MENTAL RETARDATION SYNDROME, X-LINKED; ATR, NONDELETION TYPE; ATR-X syndrome; Alpha thalassemia mental retardation syndrome, nondeletion type, X-linked; XLMR hypotonic face syndrome; X-linked alpha-thalassemia-mental retardation syndrome. Identifiers: Orphanet 847, MedGen C1845055, MONDO:0010519, OMIM 301040.

Allele frequency attached by ClinVar (database versions not stated): TOPMed 0.00001; gnomAD exomes 0.00001 and 0.00004; ExAC 0.00001; gnomAD 0.00001.
gnomAD v4.1: 41 of 1,209,689 alleles (0.0034%); highest among the groups gnomAD compares: Non-Finnish European, 0.0045%; no homozygotes.

Submissions (3):

PreventionGenetics, part of Exact Sciences
Classification: Likely benign for ATRX-related condition. Last evaluated: 2025-12-16. Review status: criteria provided, single submitter. Criteria: ACMG Guidelines, 2015. Collection method: clinical testing. Allele origin: germline.
Comment: This variant is classified as likely benign based on ACMG/AMP sequence variant interpretation guidelines (Richards et al. 2015 PMID: 25741868, with internal and published modifications).

Labcorp Genetics (formerly Invitae), Labcorp
Classification: Likely benign for Alpha thalassemia-X-linked intellectual disability syndrome. Last evaluated: 2024-03-04. Review status: criteria provided, single submitter. Criteria: Invitae Variant Classification Sherloc (09022015). Collection method: clinical testing. Allele origin: germline.

Department of Pathology and Laboratory Medicine, Sinai Health System
Classification: Uncertain significance for ATR-X-related syndrome. Last evaluated: 2021-11-09. Review status: criteria provided, single submitter. Criteria: ACMG Guidelines, 2015. Collection method: research. Allele origin: germline.

NM_000489.6(ATRX):c.1615C>G (p.Gln539Glu)

Gene: ATRX (ATRX chromatin remodeler; minus strand). Cytogenetic location: Xq21.1.
Variant type: single nucleotide variant.
Coding change: c.1615C>G on transcript NM_000489.6 (MANE Select); coding-DNA position 1615, C replaced by G.
Protein change: p.Gln539Glu; replaces glutamine 539 with glutamic acid.
Molecular consequence: missense variant.
Genome position (GRCh38, 1-based): chrX:77,683,641, G>C on the plus strand (C>G on the coding strand, the complement: ATRX is on the minus strand). VCF-style: chrX-77683641-G-C. GRCh37 (hg19) VCF-style: chrX-76939133-G-C.
Other names: c.1501C>G, p.Gln501Glu (NM_138270.5); c.1615C>G (NM_000489.4); short protein forms Q501E, Q539E.
Identifiers: ClinVar variation 1077999 (VCV001077999.11), dbSNP rs782329833, ClinGen allele CA10458182.